The following is an entry in ClinVar:

ClinVar aggregate classification (germline): Uncertain significance. Review status: criteria provided, multiple submitters, no conflicts (2 of 4 stars). 2 submissions from 2 submitters: Uncertain significance (2). Last evaluated 2026-02-07.

Conditions:
Inborn genetic diseases. Identifiers: MedGen C0950123, MeSH D030342.
PRX-related disorder. Also called: PRX-related condition; PRX-Related Disorders.

gnomAD v4.1: 7 of 1,614,074 alleles (0.00043%); highest among the groups gnomAD compares: Admixed American, 0.0083%; no homozygotes.

Submissions (2):

PreventionGenetics, part of Exact Sciences
Classification: Uncertain significance for PRX-related condition. Last evaluated: 2026-02-07. Review status: criteria provided, single submitter. Criteria: ACMG Guidelines, 2015. Collection method: clinical testing. Allele origin: germline.
Comment: The PRX c.2675G>A variant is predicted to result in the amino acid substitution p.Arg892Lys. To our knowledge, this variant has not been reported in the literature. This variant has been reported in 1 heterozygous individual within the ‘other’ subpopulation in gnomAD. At this time, the clinical significance of this variant is uncertain due to the absence of conclusive functional and genetic evidence.

Ambry Genetics
Classification: Uncertain significance for Inborn genetic diseases. Last evaluated: 2024-11-26. Review status: criteria provided, single submitter. Criteria: Ambry Variant Classification Scheme 2023. Collection method: clinical testing. Allele origin: germline.

NM_181882.3(PRX):c.2675G>A (p.Arg892Lys)

Gene: PRX (periaxin; minus strand). Cytogenetic location: 19q13.2.
Variant type: single nucleotide variant.
Coding change: c.2675G>A on transcript NM_181882.3 (MANE Select); coding-DNA position 2675, G replaced by A.
Protein change: p.Arg892Lys; replaces arginine 892 with lysine.
Molecular consequence: missense variant. On other transcripts: 3 prime UTR variant (1).
Genome position (GRCh38, 1-based): chr19:40,395,677, C>T on the plus strand (G>A on the coding strand, the complement: PRX is on the minus strand). VCF-style: chr19-40395677-C-T. GRCh37 (hg19) VCF-style: chr19-40901584-C-T.
Other names: c.2960G>A, p.Arg987Lys (NM_001411127.1); c.*2880G>A (NM_020956.2); short protein forms R892K, R987K.
Identifiers: ClinVar variation 3426621 (VCV003426621.2).